The following is an entry in ClinVar:

NM_000038.6(APC):c.1825del (p.Ala608_Val609insTer)

Gene: APC (APC regulator of WNT signaling pathway; plus strand). Cytogenetic location: 5q22.2.
Variant type: Deletion.
Coding change: c.1825del on transcript NM_000038.6 (MANE Select); coding-DNA position 1825, one base deleted (G; older notation c.1825delG).
Protein change: p.Ala608_Val609insTer.
Molecular consequence: nonsense.
Genome position (GRCh38, 1-based): chr5:112,835,032, G deleted. VCF-style (leftmost placement, unchanged base first): chr5-112835031-TG-T. GRCh37 (hg19) VCF-style: chr5-112170728-TG-T.
Other names: c.1825del, p.Ala608_Val609insTer (NM_001127510.3, NM_001354895.2); c.1771del, p.Ala590_Val591insTer (NM_001127511.3); c.1879del, p.Ala626_Val627insTer (NM_001354896.2); c.1855del, p.Ala618_Val619insTer (NM_001354897.2); c.1750del, p.Ala583_Val584insTer (NM_001354898.2); c.1741del, p.Ala580_Val581insTer (NM_001354899.2); c.1702del, p.Ala567_Val568insTer (NM_001354900.2); c.1648del, p.Ala549_Val550insTer (NM_001354901.2); and 5 more.
Identifiers: ClinVar variation 1330573 (VCV001330573.7), dbSNP rs2149842095, ClinGen allele CA658760571.

ClinVar aggregate classification (germline): Pathogenic (1 of 4 stars; one submission).

Submission:

ARUP Laboratories, Molecular Genetics and Genomics, ARUP Laboratories
Classification: Pathogenic. Last evaluated: 2021-09-03. Review status: criteria provided, single submitter. Criteria: ARUP Molecular Germline Variant Investigation Process 2021. Collection method: clinical testing. Allele origin: germline.
Comment: The APC c.1825delG; p.Val609Ter variant is reported in the literature in a family affected with FAP (Wallis 1999). This variant is absent from the Genome Aggregation Database, indicating it is not a common polymorphism. This variant induces an early termination codon and is predicted to result in a truncated protein or mRNA subject to nonsense-mediated decay. Based on available information, this variant is considered to be pathogenic. References: Wallis YL et al. Molecular analysis of the APC gene in 205 families: extended genotype-phenotype correlations in FAP and evidence for the role of APC amino acid changes in colorectal cancer predisposition. J Med Genet. 1999 Jan;36(1):14-20. PMID: 9950360.